The following is an entry in ClinVar:

ClinVar aggregate classification (germline): Uncertain significance (1 of 4 stars; one submission).

Submission:

Labcorp Genetics (formerly Invitae), Labcorp
Classification: Uncertain significance. Last evaluated: 2023-07-31. Review status: criteria provided, single submitter. Criteria: Invitae Variant Classification Sherloc (09022015). Collection method: clinical testing. Allele origin: germline.
Comment: In summary, the available evidence is currently insufficient to determine the role of this variant in disease. Therefore, it has been classified as a Variant of Uncertain Significance. Experimental studies and prediction algorithms are not available or were not evaluated, and the functional significance of this variant is currently unknown. This variant has not been reported in the literature in individuals affected with DEAF1-related conditions. This variant is not present in population databases (gnomAD no frequency). This variant, c.56_79dup, results in the insertion of 8 amino acid(s) of the DEAF1 protein (p.Val19_Ala26dup), but otherwise preserves the integrity of the reading frame.

NM_021008.4(DEAF1):c.56_79dup (p.Ala26_Ala27insValAlaAlaAlaAlaAlaValAla)

Gene: DEAF1 (DEAF1 transcription factor; minus strand). Cytogenetic location: 11p15.5.
Variant type: Duplication.
Coding change: c.56_79dup on transcript NM_021008.4 (MANE Select); coding-DNA positions 56 to 79, 24 bases duplicated (TGGCGGCCGCGGCCGCTGTGGCGG).
Protein change: p.Ala26_Ala27insValAlaAlaAlaAlaAlaValAla.
Molecular consequence: inframe insertion. On other transcripts: inframe indel (1), intron variant (1).
Genome position (GRCh38, 1-based): chr11:694,969-694,992, CCGCCACAGCGGCCGCGGCCGCCA duplicated on the plus strand (TGGCGGCCGCGGCCGCTGTGGCGG on the coding strand, the reverse complement: DEAF1 is on the minus strand); duplicating any 24 consecutive bases within chr11:694,969-694,997 gives the same sequence; the c. name uses the placement nearest the transcript's 3' end. VCF-style (leftmost placement, unchanged base first): chr11-694968-G-GCCGCCACAGCGGCCGCGGCCGCCA. GRCh37 (hg19) VCF-style: chr11-694968-G-GCCGCCACAGCGGCCGCGGCCGCCA.
Other names: c.51_74dup, p.Ala26_Ala27insValAlaAlaAlaAlaAlaValAla (NM_001293634.2); c.-437-3394_-437-3371dup (NM_001367390.1).
Identifiers: ClinVar variation 2856312 (VCV002856312.3), dbSNP rs773843056, ClinGen allele CA934302335.